The following is an entry in ClinVar:

NM_031935.3(HMCN1):c.6863-3C>T

Gene: HMCN1 (hemicentin 1; plus strand). Cytogenetic location: 1q31.1.
Variant type: single nucleotide variant.
Coding change: c.6863-3C>T on transcript NM_031935.3 (MANE Select); 3 bases into the intron before coding-DNA position 6863, C replaced by T.
Molecular consequence: intron variant.
Genome position (GRCh38, 1-based): chr1:186,055,390, C>T. VCF-style: chr1-186055390-C-T. GRCh37 (hg19) VCF-style: chr1-186024522-C-T.
Identifiers: ClinVar variation 1499618 (VCV001499618.6), dbSNP rs770154240, ClinGen allele CA1292692.
Genomic context (GRCh38, chr1:186,055,390, plus strand): 5'-CTATGTAAGACTTGAAGCAAACATTTCCTCTTTTGTTTCTTTTTATCTTCCTCCAACCCT[C>T]AGTTAGACCAACCATAACCAACAGTGGCAGCCACCCTACTGAAATTATTGTGACCCGAGG-3'

ClinVar aggregate classification (germline): Uncertain significance (1 of 4 stars; one submission).

Allele frequency attached by ClinVar (database versions not stated): gnomAD exomes below 0.00001 and 0.00001; ExAC 0.00001.
gnomAD v4.1: 2 of 1,612,194 alleles (0.00012%); highest among the groups gnomAD compares: Non-Finnish European, 0.00017%; no homozygotes.

Submission:

Labcorp Genetics (formerly Invitae), Labcorp
Classification: Uncertain significance. Last evaluated: 2022-12-07. Review status: criteria provided, single submitter. Criteria: Invitae Variant Classification Sherloc (09022015). Collection method: clinical testing. Allele origin: germline.
Comment: In summary, the available evidence is currently insufficient to determine the role of this variant in disease. Therefore, it has been classified as a Variant of Uncertain Significance. Variants that disrupt the consensus splice site are a relatively common cause of aberrant splicing (PMID: 17576681, 9536098). Algorithms developed to predict the effect of sequence changes on RNA splicing suggest that this variant is not likely to affect RNA splicing. ClinVar contains an entry for this variant (Variation ID: 1499618). This variant has not been reported in the literature in individuals affected with HMCN1-related conditions. This variant is present in population databases (rs770154240, gnomAD 0.002%). This sequence change falls in intron 44 of the HMCN1 gene. It does not directly change the encoded amino acid sequence of the HMCN1 protein. It affects a nucleotide within the consensus splice site.

Literature cited by the submitters: PubMed 17576681; PubMed 9536098.